The following is an entry in ClinVar:

NM_144988.4(ALG14):c.524T>A (p.Ile175Asn)

Gene: ALG14 (ALG14 UDP-N-acetylglucosaminyltransferase subunit; minus strand). Cytogenetic location: 1p21.3.
Variant type: single nucleotide variant.
Coding change: c.524T>A on transcript NM_144988.4 (MANE Select); coding-DNA position 524, T replaced by A.
Protein change: p.Ile175Asn; replaces isoleucine 175 with asparagine.
Molecular consequence: missense variant. On other transcripts: 3 prime UTR variant (1), non-coding transcript variant (1).
Genome position (GRCh38, 1-based): chr1:94,983,203, A>T on the plus strand (T>A on the coding strand, the complement: ALG14 is on the minus strand). VCF-style: chr1-94983203-A-T. GRCh37 (hg19) VCF-style: chr1-95448759-A-T.
Other names: c.*93T>A (NM_001305242.2); short protein forms I175N.
Identifiers: ClinVar variation 383073 (VCV000383073.4), dbSNP rs1057521513, ClinGen allele CA16603768.

ClinVar aggregate classification (germline): Conflicting classifications of pathogenicity. Review status: criteria provided, conflicting classifications (1 of 4 stars). 2 submissions from 2 submitters: Likely pathogenic (1); Uncertain significance (1). Last evaluated 2026-09-30.

Conditions:
Myopathy, epilepsy, and progressive cerebral atrophy. Identifiers: MedGen C5436652, MONDO:0033619, OMIM 619036.

Submissions (2):

GeneDx
Classification: Likely pathogenic. Last evaluated: 2026-09-30. Review status: criteria provided, single submitter. Criteria: GeneDx Variant Classification Process June 2021. Collection method: clinical testing. Allele origin: germline.
Comment: Observed with a pathogenic or likely pathogenic variant on the opposite allele (in trans) in patients with features of ALG14-congenital disorder of glycosylation in published literature (PMID: 33751823, 42421312); Not observed at significant frequency in large population cohorts (gnomAD); In silico analysis supports that this missense variant has a deleterious effect on protein structure/function; This variant is associated with the following publications: (PMID: 42421312, 34971077, 33751823)

3billion
Classification: Uncertain significance for Myopathy, epilepsy, and progressive cerebral atrophy. Last evaluated: 2025-06-04. Review status: criteria provided, single submitter. Criteria: ACMG Guidelines, 2015. Collection method: clinical testing. Allele origin: germline. Affected: yes.
Comment: The variant is not observed in the gnomAD v4.1.0 dataset. Predicted Consequence/Location: Missense variant The same nucleotide change resulting in the same amino acid change has been previously reported to be associated with ALG14-related disorder (PMID: 33751823). However, the evidence of pathogenicity is insufficient at this time. Therefore, this variant is classified as VUS according to the recommendation of ACMG/AMP guideline.

Literature cited by the submitters: PubMed 33751823 (cited by 3billion).